The following is an entry in ClinVar:

NM_005216.5(DDOST):c.694G>T (p.Ala232Ser)

Gene: DDOST (dolichyl-diphosphooligosaccharide--protein glycosyltransferase non-catalytic subunit; minus strand). Cytogenetic location: 1p36.12.
Variant type: single nucleotide variant.
Coding change: c.694G>T on transcript NM_005216.5 (MANE Select); coding-DNA position 694, G replaced by T.
Protein change: p.Ala232Ser; replaces alanine 232 with serine.
Molecular consequence: missense variant.
Genome position (GRCh38, 1-based): chr1:20,654,323, C>A on the plus strand (G>T on the coding strand, the complement: DDOST is on the minus strand). VCF-style: chr1-20654323-C-A. GRCh37 (hg19) VCF-style: chr1-20980816-C-A.
Other names: c.745G>T (NM_005216.4); short protein forms A232S.
Identifiers: ClinVar variation 2970109 (VCV002970109.4), dbSNP rs1244267797, ClinGen allele CA338850693.
Genomic context (GRCh38, chr1:20,654,323, plus strand): 5'-AGAAGGAGTCGCTGAAGAAGTCGAGGGAGCCGCTGAAGATGACGCGGGCATTGTTCCTGG[C>A]CTGGAGCCCAGCAATGAGGAGGGTGTTCTTCCCCACCGCATGTGGATACTGGGAACAAAA-3'
Protein context (NP_005207.3, residues 222-242): KNTLLIAGLQ[Ala232Ser]RNNARVIFSG

ClinVar aggregate classification (germline): Uncertain significance. Review status: criteria provided, multiple submitters, no conflicts (2 of 4 stars). 2 submissions from 2 submitters: Uncertain significance (2). Last evaluated 2024-06-04.

Conditions:
Congenital disorder of glycosylation type Ir (CDG1R). Also called: DDOST-congenital disorder of glycosylation. Identifiers: Orphanet 300536, MedGen C3281084, MONDO:0013789, OMIM 614507.

Allele frequency attached by ClinVar (database versions not stated): gnomAD exomes below 0.00001; TOPMed 0.00001.
gnomAD v4.1: 1 of 1,556,516 alleles (0.000064%); highest among the groups gnomAD compares: Admixed American, 0.0019%; no homozygotes.

Submissions (2):

Ambry Genetics
Classification: Uncertain significance. Last evaluated: 2024-06-04. Review status: criteria provided, single submitter. Criteria: Ambry Variant Classification Scheme 2023. Collection method: clinical testing. Allele origin: germline.

Labcorp Genetics (formerly Invitae), Labcorp
Classification: Uncertain significance for Congenital disorder of glycosylation type Ir. Last evaluated: 2024-03-22. Review status: criteria provided, single submitter. Criteria: Invitae Variant Classification Sherloc (09022015). Collection method: clinical testing. Allele origin: germline.
Comment: This sequence change replaces alanine, which is neutral and non-polar, with serine, which is neutral and polar, at codon 249 of the DDOST protein (p.Ala249Ser). This variant is not present in population databases (gnomAD no frequency). This variant has not been reported in the literature in individuals affected with DDOST-related conditions. Advanced modeling of protein sequence and biophysical properties (such as structural, functional, and spatial information, amino acid conservation, physicochemical variation, residue mobility, and thermodynamic stability) performed at Invitae indicates that this missense variant is not expected to disrupt DDOST protein function with a negative predictive value of 80%. In summary, the available evidence is currently insufficient to determine the role of this variant in disease. Therefore, it has been classified as a Variant of Uncertain Significance.